The following is an entry in ClinVar:

NM_000271.5(NPC1):c.1947+7_1947+8insAGGG

Gene: NPC1 (NPC intracellular cholesterol transporter 1; minus strand). Cytogenetic location: 18q11.2.
Variant type: Insertion.
Coding change: c.1947+7_1947+8insAGGG on transcript NM_000271.5 (MANE Select); bases 7 to 8 of the intron after coding-DNA position 1947, AGGG inserted.
Molecular consequence: intron variant.
Genome position: GRCh38 VCF-style: chr18-23544952-C-CCCCT. GRCh37 (hg19) VCF-style: chr18-21124916-C-CCCCT.
Other names: c.1947+7_1947+8insAGGG (NM_000271.4).
Identifiers: ClinVar variation 1121093 (VCV001121093.10), dbSNP rs1555634618, ClinGen allele CA2499225066.

ClinVar aggregate classification (germline): Likely benign. Review status: criteria provided, multiple submitters, no conflicts (2 of 4 stars). 2 submissions from 2 submitters: Likely benign (2). Last evaluated 2026-09-05.

Conditions:
Niemann-Pick disease, type C1. Also called: NIEMANN-PICK DISEASE, VARIANT TYPE C1; NEUROVISCERAL STORAGE DISEASE WITH VERTICAL SUPRANUCLEAR OPHTHALMOPLEGIA; NIEMANN-PICK DISEASE WITH CHOLESTEROL ESTERIFICATION BLOCK; NIEMANN-PICK DISEASE WITHOUT SPHINGOMYELINASE DEFICIENCY; NIEMANN-PICK DISEASE, CHRONIC NEURONOPATHIC FORM. Identifiers: Orphanet 646, MedGen C3179455, MONDO:0009757, OMIM 257220.
NPC1-related disorder. Also called: NPC1-related condition.

Submissions (2):

PreventionGenetics, part of Exact Sciences
Classification: Likely benign for NPC1-related condition. Last evaluated: 2026-09-05. Review status: criteria provided, single submitter. Criteria: ACMG Guidelines, 2015. Collection method: clinical testing. Allele origin: germline.
Comment: This variant is classified as likely benign based on ACMG/AMP sequence variant interpretation guidelines (Richards et al. 2015 PMID: 25741868, with internal and published modifications).

Labcorp Genetics (formerly Invitae), Labcorp
Classification: Likely benign for Niemann-Pick disease, type C1. Last evaluated: 2024-02-05. Review status: criteria provided, single submitter. Criteria: Invitae Variant Classification Sherloc (09022015). Collection method: clinical testing. Allele origin: germline.